The following is an entry in ClinVar:

NM_020987.5(ANK3):c.1681A>G (p.Thr561Ala)

Gene: ANK3 (ankyrin 3; minus strand). Cytogenetic location: 10q21.2.
Variant type: single nucleotide variant.
Coding change: c.1681A>G on transcript NM_020987.5 (MANE Select); coding-DNA position 1681, A replaced by G.
Protein change: p.Thr561Ala; replaces threonine 561 with alanine.
Molecular consequence: missense variant.
Genome position (GRCh38, 1-based): chr10:60,198,348, T>C on the plus strand (A>G on the coding strand, the complement: ANK3 is on the minus strand). VCF-style: chr10-60198348-T-C. GRCh37 (hg19) VCF-style: chr10-61958106-T-C.
Other names: c.1663A>G, p.Thr555Ala (NM_001204403.2); c.1630A>G, p.Thr544Ala (NM_001204404.2); c.1681A>G, p.Thr561Ala (NM_001320874.2); short protein forms T544A, T555A, T561A.
Identifiers: ClinVar variation 2640501 (VCV002640501.23), dbSNP rs375910388, ClinGen allele CA5513079.

ClinVar aggregate classification (germline): Uncertain significance. Review status: criteria provided, multiple submitters, no conflicts (2 of 4 stars). 2 submissions from 2 submitters: Uncertain significance (2). Last evaluated 2025-02-24.

Conditions:
Inborn genetic diseases. Identifiers: MedGen C0950123, MeSH D030342.

Allele frequency attached by ClinVar (database versions not stated): gnomAD 0.00001; TOPMed 0.00001; ExAC 0.00002; ESP Exome Variant Server 0.00008.
gnomAD v4.1: 15 of 1,614,038 alleles (0.00093%); highest among the groups gnomAD compares: Non-Finnish European, 0.0013%; no homozygotes.

Submissions (2):

Ambry Genetics
Classification: Uncertain significance for Inborn genetic diseases. Last evaluated: 2025-02-24. Review status: criteria provided, single submitter. Criteria: Ambry Variant Classification Scheme 2023. Collection method: clinical testing. Allele origin: germline.

CeGaT Center for Human Genetics Tuebingen
Classification: Uncertain significance. Last evaluated: 2023-08-01. Review status: criteria provided, single submitter. Criteria: CeGaT Center For Human Genetics Tuebingen Variant Classification Criteria Version 2. Collection method: clinical testing. Allele origin: germline. Affected: yes. Observed: 1 variant allele.
Comment: ANK3: PM2